The following is an entry in ClinVar:

ClinVar aggregate classification (germline): Uncertain significance (1 of 4 stars; one submission).

Conditions:
Cone-rod dystrophy 13 (CORD13). Identifiers: Orphanet 1872, MedGen C2750720, MONDO:0011987, OMIM 608194.
Leber congenital amaurosis 6 (LCA6). Identifiers: Orphanet 65, MedGen C1854260, MONDO:0013446, OMIM 613826.

gnomAD v4.1: 1 of 1,606,360 alleles (0.000062%); no homozygotes.

Submission:

Labcorp Genetics (formerly Invitae), Labcorp
Classification: Uncertain significance for Leber congenital amaurosis 6; Cone-rod dystrophy 13. Last evaluated: 2022-06-27. Review status: criteria provided, single submitter. Criteria: Invitae Variant Classification Sherloc (09022015). Collection method: clinical testing. Allele origin: germline.
Comment: This variant is not present in population databases (gnomAD no frequency). This sequence change replaces threonine, which is neutral and polar, with isoleucine, which is neutral and non-polar, at codon 1281 of the RPGRIP1 protein (p.Thr1281Ile). This variant has not been reported in the literature in individuals affected with RPGRIP1-related conditions. In summary, the available evidence is currently insufficient to determine the role of this variant in disease. Therefore, it has been classified as a Variant of Uncertain Significance. Algorithms developed to predict the effect of missense changes on protein structure and function output the following: SIFT: "Tolerated"; PolyPhen-2: "Benign"; Align-GVGD: "Class C0". The isoleucine amino acid residue is found in multiple mammalian species, which suggests that this missense change does not adversely affect protein function.

NM_020366.4(RPGRIP1):c.3842C>T (p.Thr1281Ile)

Gene: RPGRIP1 (RPGR interacting protein 1; plus strand). Cytogenetic location: 14q11.2.
Variant type: single nucleotide variant.
Coding change: c.3842C>T on transcript NM_020366.4 (MANE Select); coding-DNA position 3842, C replaced by T.
Protein change: p.Thr1281Ile; replaces threonine 1281 with isoleucine.
Molecular consequence: missense variant.
Genome position (GRCh38, 1-based): chr14:21,351,197, C>T. VCF-style: chr14-21351197-C-T. GRCh37 (hg19) VCF-style: chr14-21819356-C-T.
Other names: c.1820C>T, p.Thr607Ile (NM_001377523.1, NM_001377950.1); c.2768C>T, p.Thr923Ile (NM_001377948.1); c.1928C>T, p.Thr643Ile (NM_001377949.1); c.1325C>T, p.Thr442Ile (NM_001377951.1); short protein forms T1281I, T442I, T607I, T923I, T643I.
Identifiers: ClinVar variation 1506143 (VCV001506143.8), dbSNP rs1385915494, ClinGen allele CA388858484.